The following is an entry in ClinVar:

NM_144997.7(FLCN):c.1539-2A>G

Gene: FLCN (folliculin; minus strand). Cytogenetic location: 17p11.2.
Variant type: single nucleotide variant.
Coding change: c.1539-2A>G on transcript NM_144997.7 (MANE Select); the canonical splice acceptor site of the intron before coding-DNA position 1539, A replaced by G.
Molecular consequence: splice acceptor variant.
Genome position (GRCh38, 1-based): chr17:17,213,858, T>C on the plus strand (A>G on the coding strand, the complement: FLCN is on the minus strand). VCF-style: chr17-17213858-T-C. GRCh37 (hg19) VCF-style: chr17-17117172-T-C.
Other names: c.1539-2A>G (NM_001353231.2, NM_001353230.2); c.1593-2A>G (NM_001353229.2).
Identifiers: ClinVar variation 241920 (VCV000241920.15), dbSNP rs878855214, ClinGen allele CA10583451.

ClinVar aggregate classification (germline): Pathogenic/Likely pathogenic. Review status: criteria provided, multiple submitters, no conflicts (2 of 4 stars). 5 submissions from 5 submitters: Pathogenic (3); Likely pathogenic (2). Last evaluated 2026-02-11.

Conditions:
Hereditary cancer-predisposing syndrome. Also called: Neoplastic Syndromes, Hereditary; Hereditary Cancer Syndrome; Hereditary neoplastic syndrome; Tumor predisposition. Identifiers: Orphanet 140162, MedGen C0027672, MeSH D009386, MONDO:0015356.
Birt-Hogg-Dube syndrome 1 (BHD1). Also called: FIBROFOLLICULOMAS WITH TRICHODISCOMAS AND ACROCHORDONS. Identifiers: Orphanet 122, MedGen CN375946, MONDO:0800445, OMIM 135150.
Birt-Hogg-Dube syndrome. Also called: Birt Hogg Dubé syndrome. Identifiers: Orphanet 122, MedGen C0346010, MONDO:0800444.

Submissions (5):

Myriad Genetics, Inc.
Classification: Pathogenic for Birt-Hogg-Dube syndrome 1. Last evaluated: 2026-02-11. Review status: criteria provided, single submitter. Criteria: Myriad Autosomal Dominant, Autosomal Recessive and X-Linked Classification Criteria (2023). Collection method: clinical testing. Allele origin: unknown.
Comment: This variant is considered pathogenic. This variant occurs within a consensus splice junction and is predicted to result in abnormal mRNA splicing of either an out-of-frame exon or an in-frame exon necessary for protein stability and/or normal function. This variant has been reported in multiple individuals with clinical features of gene-specific disease [PMID: 27652079, 25537564, 37370942, 27229674].

ARUP Laboratories, Molecular Genetics and Genomics, ARUP Laboratories
Classification: Pathogenic. Last evaluated: 2025-04-14. Review status: criteria provided, single submitter. Criteria: ARUP Molecular Germline Variant Investigation Process 2024. Collection method: clinical testing. Allele origin: germline.
Comment: The FLCN c.1539-2A>G variant (rs878855214, ClinVar Variation ID: 241920) is reported in the literature in multiple individuals affected with Birt-Hogg-Dube syndrome (Johannesma 2014, Johannesma 2015, Johannesma 2016, Park 2023). This variant is absent from the Genome Aggregation Database (v2.1.1), indicating it is not a common polymorphism. This variant disrupts the canonical splice acceptor site of intron 13, which is likely to negatively impact gene function. Based on available information, this variant is considered to be pathogenic. References: Johannesma PC et al. The pathogenesis of pneumothorax in Birt-Hogg-DubÃ© syndrome: a hypothesis. Respirology. 2014 Nov;19(8):1248-50. PMID: 25302759. Johannesma PC et al. Prevalence of Birt-Hogg-DubÃ© syndrome in patients with apparently primary spontaneous pneumothorax. Eur Respir J. 2015 Apr;45(4):1191-4. PMID: 25537564. Johannesma PC et al. Risk of spontaneous pneumothorax due to air travel and diving in patients with Birt-Hogg-DubÃ© syndrome. Springerplus. 2016 Sep 7;5(1):1506. PMID: 27652079. Park HJ et al. Outstanding Characteristics of Birt-Hogg-Dube Syndrome in Korea. Diagnostics (Basel). 2023 Jun 13;13(12):2047. PMID: 37370942.

GeneDx
Classification: Likely pathogenic. Last evaluated: 2025-04-04. Review status: criteria provided, single submitter. Criteria: GeneDx Variant Classification Process June 2021. Collection method: clinical testing. Allele origin: germline. Affected: yes.
Comment: Canonical splice site variant predicted to result in an out-of-frame loss of the last exon in a gene for which loss of function is a known mechanism of disease; Identified in patients with Birt-Hogg-Dube syndrome referred for genetic testing at GeneDx and in published literature (PMID: 25302759); Not observed at significant frequency in large population cohorts (gnomAD); This variant is associated with the following publications: (PMID: 25537564, 27652079, 25302759, 37370942)

Ambry Genetics
Classification: Pathogenic for Hereditary cancer-predisposing syndrome. Last evaluated: 2025-03-27. Review status: criteria provided, single submitter. Criteria: Ambry Variant Classification Scheme 2023. Collection method: clinical testing. Allele origin: germline.
Comment: The c.1539-2A>G intronic pathogenic mutation results from an A to G substitution two nucleotides upstream from coding exon 11 in the FLCN gene. This alteration occurs at the 3' terminus of the FLCN gene and is not expected to trigger nonsense-mediated mRNA decay. The exact functional effect of this alteration is unknown; however, the impacted region is critical for protein function (Ambry internal data). This alteration has been observed individuals with a personal and/or family history that is consistent with FLCN-related disease (Johannesma PC et al. Springerplus, 2016 Sep;5:1506; Park HJ et al. Diagnostics (Basel). 2023 Jun;13(12); Ambry internal data). This variant is considered to be rare based on population cohorts in the Genome Aggregation Database (gnomAD). This nucleotide position is highly conserved in available vertebrate species. In silico splice site analysis predicts that this alteration will weaken the native splice acceptor site and will result in the creation or strengthening of a novel splice acceptor site. RNA studies have demonstrated that this alteration results in abnormal splicing in the set of samples tested (Ambry internal data). Based on the supporting evidence, this alteration is interpreted as a disease-causing mutation.

Labcorp Genetics (formerly Invitae), Labcorp
Classification: Likely pathogenic for Birt-Hogg-Dube syndrome. Last evaluated: 2023-07-17. Review status: criteria provided, single submitter. Criteria: Invitae Variant Classification Sherloc (09022015). Collection method: clinical testing. Allele origin: germline.
Comment: This sequence change affects an acceptor splice site in intron 13 of the FLCN gene. While this variant is not anticipated to result in nonsense mediated decay, it likely alters RNA splicing and results in a disrupted protein product. In summary, the currently available evidence indicates that the variant is pathogenic, but additional data are needed to prove that conclusively. Therefore, this variant has been classified as Likely Pathogenic. Variants that disrupt the consensus splice site are a relatively common cause of aberrant splicing (PMID: 17576681, 9536098). Algorithms developed to predict the effect of sequence changes on RNA splicing suggest that this variant may disrupt the consensus splice site. ClinVar contains an entry for this variant (Variation ID: 241920). Disruption of this splice site has been observed in individuals with Birt-Hogg-Dubé syndrome (PMID: 25302759, 25537564, 27652079). This variant is not present in population databases (gnomAD no frequency).

Literature cited by the submitters: PubMed 27652079 (cited by 3 submitters); PubMed 25537564 (cited by Myriad Genetics, Inc. and Labcorp Genetics (formerly Invitae), Labcorp); PubMed 37370942 (cited by Myriad Genetics, Inc.); PubMed 27229674 (cited by Myriad Genetics, Inc.); PubMed 17576681 (cited by Labcorp Genetics (formerly Invitae), Labcorp); PubMed 9536098 (cited by Labcorp Genetics (formerly Invitae), Labcorp); PubMed 25302759 (cited by Labcorp Genetics (formerly Invitae), Labcorp).